The following is an entry in ClinVar:

NM_004048.4(B2M):c.278C>T (p.Thr93Ile)

Gene: B2M (beta-2-microglobulin; plus strand). Cytogenetic location: 15q21.1.
Variant type: single nucleotide variant.
Coding change: c.278C>T on transcript NM_004048.4 (MANE Select); coding-DNA position 278, C replaced by T.
Protein change: p.Thr93Ile; replaces threonine 93 with isoleucine.
Molecular consequence: missense variant.
Genome position (GRCh38, 1-based): chr15:44,715,633, C>T. VCF-style: chr15-44715633-C-T. GRCh37 (hg19) VCF-style: chr15-45007831-C-T.
Other names: short protein forms T93I.
Identifiers: ClinVar variation 1944292 (VCV001944292.5), dbSNP rs778103494, ClinGen allele CA392233567.
Genomic context (GRCh38, chr15:44,715,633, plus strand): 5'-ACTTGTCTTTCAGCAAGGACTGGTCTTTCTATCTCTTGTACTACACTGAATTCACCCCCA[C>T]TGAAAAAGATGAGTATGCCTGCCGTGTGAACCATGTGACTTTGTCACAGCCCAAGATAGT-3'
Protein context (NP_004039.1, residues 83-103): YLLYYTEFTP[Thr93Ile]EKDEYACRVN

ClinVar aggregate classification (germline): Uncertain significance (1 of 4 stars; one submission).

Conditions:
Hypoproteinemia, hypercatabolic (IMD43). Also called: IMMUNODEFICIENCY 43; BETA-2-MICROGLOBULIN DEFICIENCY; B2M DEFICIENCY; MHC CLASS I DEFICIENCY 4. Identifiers: MedGen C1855796, MONDO:0009434, OMIM 241600.

Submission:

Labcorp Genetics (formerly Invitae), Labcorp
Classification: Uncertain significance for Hypoproteinemia, hypercatabolic. Last evaluated: 2024-10-23. Review status: criteria provided, single submitter. Criteria: Invitae Variant Classification Sherloc (09022015). Collection method: clinical testing. Allele origin: germline.
Comment: This sequence change replaces threonine, which is neutral and polar, with isoleucine, which is neutral and non-polar, at codon 93 of the B2M protein (p.Thr93Ile). This variant is not present in population databases (gnomAD no frequency). This variant has not been reported in the literature in individuals affected with B2M-related conditions. ClinVar contains an entry for this variant (Variation ID: 1944292). An algorithm developed to predict the effect of missense changes on protein structure and function (PolyPhen-2) suggests that this variant is likely to be tolerated. In summary, the available evidence is currently insufficient to determine the role of this variant in disease. Therefore, it has been classified as a Variant of Uncertain Significance.